The following is an entry in ClinVar:

NM_000218.3(KCNQ1):c.247C>T (p.Pro83Ser)

Gene: KCNQ1 (potassium voltage-gated channel subfamily Q member 1; plus strand). Cytogenetic location: 11p15.5.
Variant type: single nucleotide variant.
Coding change: c.247C>T on transcript NM_000218.3 (MANE Select); coding-DNA position 247, C replaced by T.
Protein change: p.Pro83Ser; replaces proline 83 with serine.
Molecular consequence: missense variant.
Genome position (GRCh38, 1-based): chr11:2,445,345, C>T. VCF-style: chr11-2445345-C-T. GRCh37 (hg19) VCF-style: chr11-2466575-C-T.
Other names: short protein forms P83S.
Identifiers: ClinVar variation 1040957 (VCV001040957.9), dbSNP rs772821418, ClinGen allele CA034598.

ClinVar aggregate classification (germline): Uncertain significance (1 of 4 stars; one submission).

Conditions:
Long QT syndrome (LQTS). Identifiers: MedGen C0023976, MeSH D008133, MONDO:0002442. Disease mechanism: loss of function. Inheritance: Various modes of inheritance.

Allele frequency attached by ClinVar (database versions not stated): gnomAD below 0.00001 and 0.00001; gnomAD exomes below 0.00001; ExAC 0.00001.

Submission:

Labcorp Genetics (formerly Invitae), Labcorp
Classification: Uncertain significance for Long QT syndrome. Last evaluated: 2022-06-10. Review status: criteria provided, single submitter. Criteria: Invitae Variant Classification Sherloc (09022015). Collection method: clinical testing. Allele origin: germline.
Comment: Algorithms developed to predict the effect of missense changes on protein structure and function are either unavailable or do not agree on the potential impact of this missense change (SIFT: "Tolerated"; PolyPhen-2: "Benign"; Align-GVGD: "Class C25"). In summary, the available evidence is currently insufficient to determine the role of this variant in disease. Therefore, it has been classified as a Variant of Uncertain Significance. ClinVar contains an entry for this variant (Variation ID: 1040957). This variant has not been reported in the literature in individuals affected with KCNQ1-related conditions. The frequency data for this variant in the population databases is considered unreliable, as metrics indicate poor data quality at this position in the gnomAD database. This sequence change replaces proline, which is neutral and non-polar, with serine, which is neutral and polar, at codon 83 of the KCNQ1 protein (p.Pro83Ser).